The following is an entry in ClinVar:

ClinVar aggregate classification (germline): Uncertain significance (1 of 4 stars; one submission).

Conditions:
Absence seizure. Also called: Absence epilepsy. Identifiers: Orphanet 1941, MedGen C0014553.
Myoclonic epilepsy, juvenile, susceptibility to, 1. Also called: Myoclonic Epilepsy, Juvenile, 1; EJM1. Identifiers: MedGen C1850778, MONDO:0020752, OMIM 254770.

Submission:

Labcorp Genetics (formerly Invitae), Labcorp
Classification: Uncertain significance for Myoclonic epilepsy, juvenile, susceptibility to, 1; Absence seizure. Last evaluated: 2019-07-31. Review status: criteria provided, single submitter. Criteria: Invitae Variant Classification Sherloc (09022015). Collection method: clinical testing. Allele origin: germline.
Comment: In summary, the available evidence is currently insufficient to determine the role of this variant in disease. Therefore, it has been classified as a Variant of Uncertain Significance. The current clinical and genetic evidence is not sufficient to establish whether loss-of-function variants in EFHC1 cause disease. This variant has not been reported in the literature in individuals with EFHC1-related conditions. This variant is not present in population databases (ExAC no frequency). This sequence change creates a premature translational stop signal (p.Leu201*) in the EFHC1 gene. It is expected to result in an absent or disrupted protein product.

NM_018100.4(EFHC1):c.602T>G (p.Leu201Ter)

Gene: EFHC1 (EF-hand domain containing 1; plus strand). Cytogenetic location: 6p12.2.
Variant type: single nucleotide variant.
Coding change: c.602T>G on transcript NM_018100.4 (MANE Select); coding-DNA position 602, T replaced by G.
Protein change: p.Leu201Ter; replaces leucine 201 with a stop codon.
Molecular consequence: nonsense. On other transcripts: non-coding transcript variant (1).
Genome position (GRCh38, 1-based): chr6:52,452,716, T>G. VCF-style: chr6-52452716-T-G. GRCh37 (hg19) VCF-style: chr6-52317514-T-G.
Other names: c.545T>G, p.Leu182Ter (NM_001172420.2); short protein forms L182*, L201*.
Identifiers: ClinVar variation 934811 (VCV000934811.9), dbSNP rs1764941998, ClinGen allele CA364452016.